The following is an entry in ClinVar:

ClinVar aggregate classification (germline): Likely benign. Review status: criteria provided, multiple submitters, no conflicts (2 of 4 stars). 2 submissions from 2 submitters: Likely benign (2). Last evaluated 2022-07-08.

Conditions:
Developmental and epileptic encephalopathy 94 (DEE94). Also called: Epileptic encephalopathy, childhood-onset; CHD2-Related Neurodevelopmental Disorders. Identifiers: Orphanet 1942, Orphanet 2382, MedGen C3809278, MONDO:0014150, OMIM 615369.

gnomAD v4.1: 3 of 1,614,170 alleles (0.00019%); highest among the groups gnomAD compares: Admixed American, 0.0017%; no homozygotes.

Submissions (2):

Labcorp Genetics (formerly Invitae), Labcorp
Classification: Likely benign for Developmental and epileptic encephalopathy 94. Last evaluated: 2022-07-08. Review status: criteria provided, single submitter. Criteria: Invitae Variant Classification Sherloc (09022015). Collection method: clinical testing. Allele origin: germline.

CeGaT Center for Human Genetics Tuebingen
Classification: Likely benign. Last evaluated: 2022-07-01. Review status: criteria provided, single submitter. Criteria: CeGaT Center For Human Genetics Tuebingen Variant Classification Criteria Version 2. Collection method: clinical testing. Allele origin: germline. Affected: yes. Observed: 1 variant allele.
Comment: CHD2: BS2

NM_001271.4(CHD2):c.596G>C (p.Arg199Pro)

Gene: CHD2 (chromodomain helicase DNA binding protein 2; plus strand). Cytogenetic location: 15q26.1.
Variant type: single nucleotide variant.
Coding change: c.596G>C on transcript NM_001271.4 (MANE Select); coding-DNA position 596, G replaced by C.
Protein change: p.Arg199Pro; replaces arginine 199 with proline.
Molecular consequence: missense variant.
Genome position (GRCh38, 1-based): chr15:92,939,622, G>C. VCF-style: chr15-92939622-G-C. GRCh37 (hg19) VCF-style: chr15-93482852-G-C.
Other names: c.596G>C, p.Arg199Pro (NM_001042572.3); short protein forms R199P.
Identifiers: ClinVar variation 702758 (VCV000702758.38), dbSNP rs367550855, ClinGen allele CA7747579.
Genomic context (GRCh38, chr15:92,939,622, plus strand): 5'-TCTCTTCTCATTTTAGAACAGTGCCCAAACCTCGTGTTAAAAAGCAGCCGAAGACTCAGC[G>C]TGGAAAGAGAAAAAAGCAAGATTCTTCTGATGAGGATGATGATGATGACGAAGCTCCCAA-3'
Protein context (NP_001262.3, residues 189-209): PRVKKQPKTQ[Arg199Pro]GKRKKQDSSD